The following is an entry in ClinVar:

NM_001184.4(ATR):c.4726C>T (p.Leu1576Phe)

Gene: ATR (ATR serine/threonine kinase; minus strand). Cytogenetic location: 3q23.
Variant type: single nucleotide variant.
Coding change: c.4726C>T on transcript NM_001184.4 (MANE Select); coding-DNA position 4726, C replaced by T.
Protein change: p.Leu1576Phe; replaces leucine 1576 with phenylalanine.
Molecular consequence: missense variant.
Genome position (GRCh38, 1-based): chr3:142,512,386, G>A on the plus strand (C>T on the coding strand, the complement: ATR is on the minus strand). VCF-style: chr3-142512386-G-A. GRCh37 (hg19) VCF-style: chr3-142231228-G-A.
Other names: c.4534C>T, p.Leu1512Phe (NM_001354579.2); short protein forms L1512F, L1576F.
Identifiers: ClinVar variation 3330977 (VCV003330977.1).
Genomic context (GRCh38, chr3:142,512,386, plus strand): 5'-ATTTGTGCCTTGCCCACTGTGTGAGATGGTCAAGCATGGAGAACACAGTCTGTGTACTGA[G>A]TTGACACAGATCAGATGCAATGTCTTGGGTATTTATGGTATGCTGATCGTCATGCTTTAG-3'
Protein context (NP_001175.2, residues 1566-1586): TQDIASDLCQ[Leu1576Phe]STQTVFSMLD

ClinVar aggregate classification (germline): Uncertain significance (1 of 4 stars; one submission).

Conditions:
Inborn genetic diseases. Identifiers: MedGen C0950123, MeSH D030342.

Submission:

Ambry Genetics
Classification: Uncertain significance for Inborn genetic diseases. Last evaluated: 2024-04-20. Review status: criteria provided, single submitter. Criteria: Ambry Variant Classification Scheme 2023. Collection method: clinical testing. Allele origin: germline.
Comment: The p.L1576F variant (also known as c.4726C>T), located in coding exon 27 of the ATR gene, results from a C to T substitution at nucleotide position 4726. The leucine at codon 1576 is replaced by phenylalanine, an amino acid with highly similar properties. This amino acid position is conserved. In addition, this alteration is predicted to be tolerated by in silico analysis. Based on the available evidence, the clinical significance of this variant remains unclear.